The following is an entry in ClinVar:

NM_199242.3(UNC13D):c.3079G>A (p.Gly1027Arg)

Gene: UNC13D (unc-13 homolog D; minus strand). Cytogenetic location: 17q25.1.
Variant type: single nucleotide variant.
Coding change: c.3079G>A on transcript NM_199242.3 (MANE Select); coding-DNA position 3079, G replaced by A.
Protein change: p.Gly1027Arg; replaces glycine 1027 with arginine.
Molecular consequence: missense variant.
Genome position (GRCh38, 1-based): chr17:75,828,859, C>T on the plus strand (G>A on the coding strand, the complement: UNC13D is on the minus strand). VCF-style: chr17-75828859-C-T. GRCh37 (hg19) VCF-style: chr17-73824940-C-T.
Other names: p.Gly1027Arg; short protein forms G1027R.
Identifiers: ClinVar variation 325244 (VCV000325244.15), dbSNP rs776703437, ClinGen allele CA8772277.

ClinVar aggregate classification (germline): Uncertain significance. Review status: criteria provided, multiple submitters, no conflicts (2 of 4 stars). 5 submissions from 5 submitters: Uncertain significance (5). Last evaluated 2025-04-30.

Conditions:
Inborn genetic diseases. Identifiers: MedGen C0950123, MeSH D030342.
Familial hemophagocytic lymphohistiocytosis 3 (FHL3). Also called: UNC13D-Related Familial Hemophagocytic Lymphohistiocytosis (UNC13D-fHLH). Identifiers: Orphanet 540, MedGen C1837174, MONDO:0012146, OMIM 608898.

Allele frequency attached by ClinVar (database versions not stated): gnomAD 0.00001; ExAC 0.00002; gnomAD exomes 0.00002; TOPMed 0.00005.
gnomAD v4.1: 30 of 1,595,040 alleles (0.0019%); highest among the groups gnomAD compares: Middle Eastern, 0.018%; no homozygotes.

Submissions (5):

Ambry Genetics
Classification: Uncertain significance for Inborn genetic diseases. Last evaluated: 2025-04-30. Review status: criteria provided, single submitter. Criteria: Ambry Variant Classification Scheme 2023. Collection method: clinical testing. Allele origin: germline.

Labcorp Genetics (formerly Invitae), Labcorp
Classification: Uncertain significance for Familial hemophagocytic lymphohistiocytosis 3. Last evaluated: 2024-01-02. Review status: criteria provided, single submitter. Criteria: Invitae Variant Classification Sherloc (09022015). Collection method: clinical testing. Allele origin: germline.
Comment: This sequence change replaces glycine, which is neutral and non-polar, with arginine, which is basic and polar, at codon 1027 of the UNC13D protein (p.Gly1027Arg). The frequency data for this variant in the population databases is considered unreliable, as metrics indicate poor data quality at this position in the gnomAD database. This variant has not been reported in the literature in individuals affected with UNC13D-related conditions. ClinVar contains an entry for this variant (Variation ID: 325244). Advanced modeling of protein sequence and biophysical properties (such as structural, functional, and spatial information, amino acid conservation, physicochemical variation, residue mobility, and thermodynamic stability) has been performed at Invitae for this missense variant, however the output from this modeling did not meet the statistical confidence thresholds required to predict the impact of this variant on UNC13D protein function. In summary, the available evidence is currently insufficient to determine the role of this variant in disease. Therefore, it has been classified as a Variant of Uncertain Significance.

Mayo Clinic Laboratories, Mayo Clinic
Classification: Uncertain significance. Last evaluated: 2023-07-31. Review status: criteria provided, single submitter. Criteria: ACMG Guidelines, 2015. Collection method: clinical testing. Allele origin: germline. Observed: 1 variant allele.

Genomic Research Center, Shahid Beheshti University of Medical Sciences
Classification: Uncertain significance for Hemophagocytic lymphohistiocytosis, familial, 3. Last evaluated: 2019-04-27. Review status: criteria provided, single submitter. Criteria: ACMG Guidelines, 2015. Collection method: clinical testing. Allele origin: unknown. Affected: no.

Illumina Laboratory Services, Illumina
Classification: Uncertain significance for Familial hemophagocytic lymphohistiocytosis 3. Last evaluated: 2018-01-12. Review status: criteria provided, single submitter. Criteria: ICSL Variant Classification Criteria 13 December 2019. Collection method: clinical testing. Allele origin: germline.